The following is an entry in ClinVar:

NM_000138.5(FBN1):c.5585A>G (p.His1862Arg)

Gene: FBN1 (fibrillin 1; minus strand). Cytogenetic location: 15q21.1.
Variant type: single nucleotide variant.
Coding change: c.5585A>G on transcript NM_000138.5 (MANE Select); coding-DNA position 5585, A replaced by G.
Protein change: p.His1862Arg; replaces histidine 1862 with arginine.
Molecular consequence: missense variant.
Genome position (GRCh38, 1-based): chr15:48,448,854, T>C on the plus strand (A>G on the coding strand, the complement: FBN1 is on the minus strand). VCF-style: chr15-48448854-T-C. GRCh37 (hg19) VCF-style: chr15-48741051-T-C.
Other names: short protein forms H1862R.
Identifiers: ClinVar variation 919716 (VCV000919716.11), dbSNP rs976161721, ClinGen allele CA269535035.

ClinVar aggregate classification (germline): Conflicting classifications of pathogenicity. Review status: criteria provided, conflicting classifications (1 of 4 stars). 2 submissions from 2 submitters: Uncertain significance (1); Likely benign (1). Last evaluated 2024-03-06.

Conditions:
Familial thoracic aortic aneurysm and aortic dissection (TAAD). Also called: Thoracic aortic aneurysms and dissections. Identifiers: Orphanet 91387, MedGen C4707243, MONDO:0019625.
Marfan syndrome (MFS). Also called: Marfan syndrome, classic; Marfan syndrome type 1; Marfan's syndrome; FBN1-Related Marfan Syndrome; MARFAN SYNDROME, TYPE I. Identifiers: Orphanet 284963, Orphanet 558, MedGen C0024796, MONDO:0007947, OMIM 154700.

Allele frequency attached by ClinVar (database versions not stated): gnomAD exomes below 0.00001; TOPMed 0.00001; gnomAD 0.00001.
gnomAD v4.1: 5 of 1,611,830 alleles (0.00031%); highest among the groups gnomAD compares: African/African-American, 0.0053%; no homozygotes.

Submissions (2):

Color Diagnostics, LLC DBA Color Health
Classification: Uncertain significance for Familial thoracic aortic aneurysm and aortic dissection. Last evaluated: 2024-03-06. Review status: criteria provided, single submitter. Criteria: ACMG Guidelines, 2015. Collection method: clinical testing. Allele origin: germline.
Comment: This missense variant replaces histidine with arginine at codon 1862 of the FBN1 protein. Computational prediction is inconclusive regarding the impact of this variant on protein structure and function (internally defined REVEL score threshold 0.5 < inconclusive < 0.7, PMID: 27666373). Splice site prediction tools suggest that this variant may not impact RNA splicing. To our knowledge, functional studies have not been performed for this variant. This variant has not been reported in individuals affected with cardiovascular disorders in the literature. This variant has been identified in 1/31408 chromosomes in the general population by the Genome Aggregation Database (gnomAD). The available evidence is insufficient to determine the role of this variant in disease conclusively. Therefore, this variant is classified as a Variant of Uncertain Significance.

Labcorp Genetics (formerly Invitae), Labcorp
Classification: Likely benign for Marfan syndrome; Familial thoracic aortic aneurysm and aortic dissection. Last evaluated: 2024-02-29. Review status: criteria provided, single submitter. Criteria: Invitae Variant Classification Sherloc (09022015). Collection method: clinical testing. Allele origin: germline.